The following is an entry in ClinVar:

ClinVar aggregate classification (germline): Likely benign (0 of 4 stars; one submission).

Conditions:
PLXNA3-related disorder. Also called: PLXNA3-related condition.

Allele frequency attached by ClinVar (database versions not stated): gnomAD exomes 0.00001; gnomAD 0.00002; TOPMed 0.00002; ExAC 0.00014.
gnomAD v4.1: 18 of 1,207,606 alleles (0.0015%); highest among the groups gnomAD compares: East Asian, 0.03%; no homozygotes.

Submission:

PreventionGenetics, part of Exact Sciences
Classification: Likely benign for PLXNA3-related condition. Last evaluated: 2024-01-24. Review status: no assertion criteria provided. Collection method: clinical testing. Allele origin: germline.
Comment: This variant is classified as likely benign based on ACMG/AMP sequence variant interpretation guidelines (Richards et al. 2015 PMID: 25741868, with internal and published modifications).

NM_017514.5(PLXNA3):c.3999C>T (p.Phe1333=)

Gene: PLXNA3 (plexin A3; plus strand). Cytogenetic location: Xq28.
Variant type: single nucleotide variant.
Coding change: c.3999C>T on transcript NM_017514.5 (MANE Select); coding-DNA position 3999, C replaced by T.
Protein change: p.Phe1333=; no amino-acid change (phenylalanine 1333 retained).
Molecular consequence: synonymous variant.
Genome position (GRCh38, 1-based): chrX:154,468,338, C>T. VCF-style: chrX-154468338-C-T. GRCh37 (hg19) VCF-style: chrX-153696681-C-T.
Identifiers: ClinVar variation 3046373 (VCV003046373.2), dbSNP rs782023272, ClinGen allele CA10564780.
Genomic context (GRCh38, chrX:154,468,338, plus strand): 5'-CTCTGAGACCTCCTGCTCCCCACAGACGCCACCCAACGTGGAGAAGGCCCTGCGCCTCTT[C>T]GGGCAGCTGCTGCACAGCCGCGCGTTCGTGCTTACCTTCATCCACACGCTGGAGGCCCAG-3'
Protein context (NP_059984.3, residues 1323-1343): PPNVEKALRL[Phe1333=]GQLLHSRAFV